The following is an entry in ClinVar:

ClinVar aggregate classification (germline): Pathogenic (1 of 4 stars; one submission).

Conditions:
Leber congenital amaurosis 7 (LCA7). Identifiers: Orphanet 65, MedGen C3151192, MONDO:0013449, OMIM 613829.
Cone-rod dystrophy 2 (CORD2). Also called: CONE-ROD RETINAL DYSTROPHY; Cone-rod retinal dystrophy 2. Identifiers: Orphanet 1872, MedGen C3489532, MONDO:0007362, OMIM 120970.

Submission:

Labcorp Genetics (formerly Invitae), Labcorp
Classification: Pathogenic for Cone-rod dystrophy 2; Leber congenital amaurosis 7. Last evaluated: 2022-12-18. Review status: criteria provided, single submitter. Criteria: Invitae Variant Classification Sherloc (09022015). Collection method: clinical testing. Allele origin: germline.
Comment: This sequence change creates a premature translational stop signal (p.Pro190Leufs*45) in the CRX gene. While this is not anticipated to result in nonsense mediated decay, it is expected to disrupt the last 110 amino acid(s) of the CRX protein. This variant is not present in population databases (gnomAD no frequency). This variant has not been reported in the literature in individuals affected with CRX-related conditions. This variant disrupts a region of the CRX protein in which other variant(s) (p.Tyr258*) have been determined to be pathogenic (PMID: 22968130, 25270190). This suggests that this is a clinically significant region of the protein, and that variants that disrupt it are likely to be disease-causing. For these reasons, this variant has been classified as Pathogenic.

Literature cited by the submitters: PubMed 22968130; PubMed 25270190.

NM_000554.6(CRX):c.569_570del (p.Pro190fs)

Gene: CRX (cone-rod homeobox; plus strand). Cytogenetic location: 19q13.33.
Variant type: Deletion.
Coding change: c.569_570del on transcript NM_000554.6 (MANE Select); coding-DNA positions 569 to 570, 2 bases deleted (CC; older notation c.569_570delCC).
Protein change: p.Pro190fs; shifts the reading frame from proline 190.
Molecular consequence: frameshift variant.
Genome position (GRCh38, 1-based): chr19:47,839,636-47,839,637, CC deleted; deleting any 2 consecutive bases within chr19:47,839,633-47,839,637 gives the same sequence; the c. name uses the placement nearest the transcript's 3' end. VCF-style (leftmost placement, unchanged base first): chr19-47839632-GCC-G. GRCh37 (hg19) VCF-style: chr19-48342889-GCC-G.
Other names: short protein forms P190fs.
Identifiers: ClinVar variation 2942453 (VCV002942453.3), dbSNP rs1968168564, ClinGen allele CA2740096950.